The following is an entry in ClinVar:

ClinVar aggregate classification (germline): Likely pathogenic (1 of 4 stars; one submission).

Submission:

Labcorp Genetics (formerly Invitae), Labcorp
Classification: Likely pathogenic. Last evaluated: 2021-09-24. Review status: criteria provided, single submitter. Criteria: Invitae Variant Classification Sherloc (09022015). Collection method: clinical testing. Allele origin: germline.
Comment: In summary, the currently available evidence indicates that the variant is pathogenic, but additional data are needed to prove that conclusively. Therefore, this variant has been classified as Likely Pathogenic. This variant disrupts the p.His180 amino acid residue in FH. Other variant(s) that disrupt this residue have been determined to be pathogenic (PMID: 11865300, 21398687, 23320739, 28300276; Invitae). This suggests that this residue is clinically significant, and that variants that disrupt this residue are likely to be disease-causing. Advanced modeling of protein sequence and biophysical properties (such as structural, functional, and spatial information, amino acid conservation, physicochemical variation, residue mobility, and thermodynamic stability) performed at Invitae indicates that this missense variant is expected to disrupt FH protein function. This variant has not been reported in the literature in individuals affected with FH-related conditions. This variant is not present in population databases (ExAC no frequency). This sequence change replaces histidine with leucine at codon 180 of the FH protein (p.His180Leu). The histidine residue is highly conserved and there is a moderate physicochemical difference between histidine and leucine.

Literature cited by the submitters: PubMed 11865300; PubMed 21398687; PubMed 23320739; PubMed 28300276.

NM_000143.4(FH):c.539A>T (p.His180Leu)

Gene: FH (fumarate hydratase; minus strand). Cytogenetic location: 1q43.
Variant type: single nucleotide variant.
Coding change: c.539A>T on transcript NM_000143.4 (MANE Select); coding-DNA position 539, A replaced by T.
Protein change: p.His180Leu; replaces histidine 180 with leucine.
Molecular consequence: missense variant.
Genome position (GRCh38, 1-based): chr1:241,511,983, T>A on the plus strand (A>T on the coding strand, the complement: FH is on the minus strand). VCF-style: chr1-241511983-T-A. GRCh37 (hg19) VCF-style: chr1-241675283-T-A.
Other names: short protein forms H180L.
Identifiers: ClinVar variation 1499479 (VCV001499479.6), dbSNP rs863224015, ClinGen allele CA345439875.